The following is an entry in ClinVar:

ClinVar aggregate classification (germline): Uncertain significance (1 of 4 stars; one submission).

Allele frequency attached by ClinVar (database versions not stated): ExAC 0.00002; gnomAD exomes 0.00002.
gnomAD v4.1: 4 of 1,614,178 alleles (0.00025%); highest among the groups gnomAD compares: East Asian, 0.0089%; no homozygotes.

Submission:

Labcorp Genetics (formerly Invitae), Labcorp
Classification: Uncertain significance. Last evaluated: 2022-10-17. Review status: criteria provided, single submitter. Criteria: Invitae Variant Classification Sherloc (09022015). Collection method: clinical testing. Allele origin: germline.
Comment: This sequence change replaces glutamic acid, which is acidic and polar, with lysine, which is basic and polar, at codon 435 of the ADAMTSL4 protein (p.Glu435Lys). This variant is present in population databases (rs774222532, gnomAD 0.03%). This variant has not been reported in the literature in individuals affected with ADAMTSL4-related conditions. ClinVar contains an entry for this variant (Variation ID: 1355020). Advanced modeling of protein sequence and biophysical properties (such as structural, functional, and spatial information, amino acid conservation, physicochemical variation, residue mobility, and thermodynamic stability) has been performed at Invitae for this missense variant, however the output from this modeling did not meet the statistical confidence thresholds required to predict the impact of this variant on ADAMTSL4 protein function. In summary, the available evidence is currently insufficient to determine the role of this variant in disease. Therefore, it has been classified as a Variant of Uncertain Significance.

NM_019032.6(ADAMTSL4):c.1303G>A (p.Glu435Lys)

Genes: ADAMTSL4 (ADAMTS like 4; plus strand), ADAMTSL4-AS2 (ADAMTSL4 antisense RNA 2; minus strand). Cytogenetic location: 1q21.2.
Variant type: single nucleotide variant.
Coding change: c.1303G>A on transcript NM_019032.6 (MANE Select); coding-DNA position 1303, G replaced by A.
Protein change: p.Glu435Lys; replaces glutamic acid 435 with lysine.
Molecular consequence: missense variant.
Genome position (GRCh38, 1-based): chr1:150,555,497, G>A. VCF-style: chr1-150555497-G-A. GRCh37 (hg19) VCF-style: chr1-150527973-G-A.
Other names: c.1372G>A, p.Glu458Lys (NM_001288607.2, NM_001288608.2); c.1303G>A, p.Glu435Lys (NM_001378596.1, NM_025008.5); short protein forms E458K, E435K.
Identifiers: ClinVar variation 1355020 (VCV001355020.3), dbSNP rs774222532, ClinGen allele CA1078220.
Genomic context (GRCh38, chr1:150,555,497, plus strand): 5'-TCCCAGCGCTGTGAACTGAACTGCCGGCCCCGTGGCTTCCGCTTCTATGTCCGTCACACT[G>A]AAAAGGTCCAGGATGGGACCCTGTGTCAGCCTGGAGCCCCTGACATCTGTGTGGCTGGAC-3'
Protein context (NP_061905.2, residues 425-445): RGFRFYVRHT[Glu435Lys]KVQDGTLCQP